The following is an entry in ClinVar:

ClinVar aggregate classification (germline): Pathogenic (1 of 4 stars; one submission).

Conditions:
Familial cancer of breast. Also called: Hereditary breast cancer; BREAST CANCER, FAMILIAL; hereditary breast carcinoma. Identifiers: Orphanet 227535, MedGen C0346153, MONDO:0016419, OMIM 114480. Disease mechanism: loss of function.

Submission:

Myriad Genetics, Inc.
Classification: Pathogenic for Familial cancer of breast. Last evaluated: 2023-05-24. Review status: criteria provided, single submitter. Criteria: Myriad Autosomal Dominant, Autosomal Recessive and X-Linked Classification Criteria (2023). Collection method: clinical testing. Allele origin: unknown.
Comment: This variant is considered pathogenic. This variant creates a termination codon and is predicted to result in premature protein truncation.

NM_000465.4(BARD1):c.1736C>A (p.Ser579Ter)

Gene: BARD1 (BRCA1 associated RING domain 1; minus strand). Cytogenetic location: 2q35.
Variant type: single nucleotide variant.
Coding change: c.1736C>A on transcript NM_000465.4 (MANE Select); coding-DNA position 1736, C replaced by A.
Protein change: p.Ser579Ter; replaces serine 579 with a stop codon.
Molecular consequence: nonsense. On other transcripts: non-coding transcript variant (3), intron variant (1).
Genome position (GRCh38, 1-based): chr2:214,745,796, G>T on the plus strand (C>A on the coding strand, the complement: BARD1 is on the minus strand). VCF-style: chr2-214745796-G-T. GRCh37 (hg19) VCF-style: chr2-215610520-G-T.
Other names: c.1679C>A, p.Ser560Ter (NM_001282543.2); c.383C>A, p.Ser128Ter (NM_001282545.2); c.326C>A, p.Ser109Ter (NM_001282548.2); c.365-15288C>A (NM_001282549.2); short protein forms S109*, S128*, S560*, S579*.
Identifiers: ClinVar variation 2583220 (VCV002583220.2), dbSNP rs2469342920, ClinGen allele CA350453068.